The following is an entry in ClinVar:

NM_000059.4(BRCA2):c.4070T>C (p.Leu1357Pro)

Gene: BRCA2 (BRCA2 DNA repair associated; plus strand). Cytogenetic location: 13q13.1.
Variant type: single nucleotide variant.
Coding change: c.4070T>C on transcript NM_000059.4 (MANE Select); coding-DNA position 4070, T replaced by C.
Protein change: p.Leu1357Pro; replaces leucine 1357 with proline.
Molecular consequence: missense variant.
Genome position (GRCh38, 1-based): chr13:32,338,425, T>C. VCF-style: chr13-32338425-T-C. GRCh37 (hg19) VCF-style: chr13-32912562-T-C.
Other names: c.4070T>C, p.Leu1357Pro (NM_001406719.1, NM_001406720.1); short protein forms L1357P.
Identifiers: ClinVar variation 1988527 (VCV001988527.7), dbSNP rs55796504, ClinGen allele CA6940744.

ClinVar aggregate classification (germline): Conflicting classifications of pathogenicity. Review status: criteria provided, conflicting classifications (1 of 4 stars). 3 submissions from 3 submitters: Uncertain significance (1); Likely benign (2). Last evaluated 2026-05-22.

Conditions:
Hereditary breast ovarian cancer syndrome. Also called: Hereditary breast and ovarian cancer syndrome; Hereditary breast and ovarian cancer; Hereditary breast and/or ovarian cancer syndrome; Breast and ovarian cancer; BRCA1- and BRCA2-Associated Hereditary Breast and Ovarian Cancer; Hereditary breast and ovarian cancer syndrome (HBOC). Identifiers: Orphanet 145, MedGen C0677776, MeSH D061325, MONDO:0003582. Disease mechanism: loss of function.
Hereditary cancer-predisposing syndrome. Also called: Neoplastic Syndromes, Hereditary; Tumor predisposition; Hereditary Cancer Syndrome; Hereditary neoplastic syndrome. Identifiers: Orphanet 140162, MedGen C0027672, MeSH D009386, MONDO:0015356.

Allele frequency attached by ClinVar (database versions not stated): ExAC 0.00001.
gnomAD v4.1: 2 of 1,609,366 alleles (0.00012%); highest among the groups gnomAD compares: Non-Finnish European, 0.000085%; no homozygotes.

Submissions (3):

Ambry Genetics
Classification: Likely benign for Hereditary cancer-predisposing syndrome. Last evaluated: 2026-05-22. Review status: criteria provided, single submitter. Criteria: Ambry Variant Classification Scheme 2023. Collection method: clinical testing. Allele origin: germline.

Labcorp Genetics (formerly Invitae), Labcorp
Classification: Uncertain significance for Hereditary breast ovarian cancer syndrome. Last evaluated: 2025-07-31. Review status: criteria provided, single submitter. Criteria: Invitae Variant Classification Sherloc (09022015). Collection method: clinical testing. Allele origin: germline.
Comment: This sequence change replaces leucine, which is neutral and non-polar, with proline, which is neutral and non-polar, at codon 1357 of the BRCA2 protein (p.Leu1357Pro). This variant is not present in population databases (gnomAD no frequency). This variant has not been reported in the literature in individuals affected with BRCA2-related conditions. ClinVar contains an entry for this variant (Variation ID: 1988527). Invitae Evidence Modeling of protein sequence and biophysical properties (such as structural, functional, and spatial information, amino acid conservation, physicochemical variation, residue mobility, and thermodynamic stability) indicates that this missense variant is not expected to disrupt BRCA2 protein function with a negative predictive value of 95%. In summary, the available evidence is currently insufficient to determine the role of this variant in disease. Therefore, it has been classified as a Variant of Uncertain Significance.

University of Washington Department of Laboratory Medicine, University of Washington
Classification: Likely benign for Hereditary cancer-predisposing syndrome. Last evaluated: 2023-03-23. Review status: criteria provided, single submitter. Criteria: Dines et al. (Genet Med. 2020). Collection method: curation. Allele origin: germline.
Comment: Missense variant in a coldspot region where missense variants are very unlikely to be pathogenic (PMID:31911673).

BRCA2 exon 11 coldspot. Reclassification based on statistical prior probability.